The following is an entry in ClinVar:

ClinVar aggregate classification (germline): Uncertain significance (1 of 4 stars; one submission).

Submission:

Women's Health and Genetics/Laboratory Corporation of America, LabCorp
Classification: Uncertain significance. Last evaluated: 2020-04-20. Review status: criteria provided, single submitter. Criteria: LabCorp Variant Classification Summary - May 2015. Collection method: clinical testing. Allele origin: germline.
Comment: Variant summary: The variant, c.769_858+8dup98 in the SOS2 gene involves the duplication of nucleotides overlapping a splice-stie. The variant was absent in 250938 control chromosomes. Several computational tools predict a significant impact on normal splicing: Four predict the variant creates a 5' donor site. However, these predictions have yet to be confirmed by functional studies. To our knowledge, no occurrence of c.769_858+8dup98 in individuals affected with Noonan Syndrome And Related Conditions and no experimental evidence demonstrating its impact on protein function have been reported. No clinical diagnostic laboratories have submitted clinical-significance assessments for this variant to ClinVar after 2014. Based on the evidence outlined above, the variant was classified as uncertain significance.

NM_006939.4(SOS2):c.769_858+8dup

Gene: SOS2 (SOS Ras/Rho guanine nucleotide exchange factor 2; minus strand). Cytogenetic location: 14q21.3.
Variant type: Duplication.
Coding change: c.769_858+8dup on transcript NM_006939.4 (MANE Select); coding-DNA position 769 through 8 bases into the intron after coding-DNA position 858, 98 bases duplicated.
Molecular consequence: splice donor variant.
Genome position (GRCh38, 1-based): chr14:50,182,455-50,182,552, 98 bases duplicated. GRCh37 (hg19): chr14:50,649,173-50,649,270.
Identifiers: ClinVar variation 917771 (VCV000917771.1), dbSNP rs1885775324, ClinGen allele CA1139663483.